The following is an entry in ClinVar:

NM_021614.4(KCNN2):c.1695A>G (p.Ser565=)

Genes: KCNN2 (potassium calcium-activated channel subfamily N member 2; plus strand), KCNN2-AS1 (KCNN2 antisense RNA 1; minus strand). Cytogenetic location: 5q22.3.
Variant type: single nucleotide variant.
Coding change: c.1695A>G on transcript NM_021614.4 (MANE Select); coding-DNA position 1695, A replaced by G.
Protein change: p.Ser565=; no amino-acid change (serine 565 retained).
Molecular consequence: synonymous variant. On other transcripts: non-coding transcript variant (2).
Genome position (GRCh38, 1-based): chr5:114,463,106, A>G. VCF-style: chr5-114463106-A-G. GRCh37 (hg19) VCF-style: chr5-113798803-A-G.
Other names: c.1893A>G, p.Ser631= (NM_001372233.1); c.15A>G, p.Ser5= (NM_170775.3).
Identifiers: ClinVar variation 4084702 (VCV004084702.8).

ClinVar aggregate classification (germline): Likely benign (1 of 4 stars; one submission).

gnomAD v4.1: 2 of 1,613,686 alleles (0.00012%); highest among the groups gnomAD compares: Middle Eastern, 0.017%; no homozygotes.

Submission:

CeGaT Center for Human Genetics Tuebingen
Classification: Likely benign. Last evaluated: 2025-07-01. Review status: criteria provided, single submitter. Criteria: CeGaT Center For Human Genetics Tuebingen Variant Classification Criteria Version 2. Collection method: clinical testing. Allele origin: germline. Affected: yes. Observed: 1 variant allele.
Comment: KCNN2: BP4, BP7